The following is an entry in ClinVar:

ClinVar aggregate classification (germline): Uncertain significance (1 of 4 stars; one submission).

Conditions:
Ataxia-telangiectasia syndrome (AT). Also called: Cerebello-oculocutaneous telangiectasia; Immunodeficiency with ataxia telangiectasia; AT, COMPLEMENTATION GROUP C; Ataxia-telangiectasia, complementation group E; LOUIS-BAR SYNDROME; ATAXIA-TELANGIECTASIA, COMPLEMENTATION GROUP A. Identifiers: Orphanet 100, MedGen C0004135, MONDO:0008840, OMIM 208900.

Submission:

Labcorp Genetics (formerly Invitae), Labcorp
Classification: Uncertain significance for Ataxia-telangiectasia syndrome. Last evaluated: 2021-02-12. Review status: criteria provided, single submitter. Criteria: Invitae Variant Classification Sherloc (09022015). Collection method: clinical testing. Allele origin: germline.
Comment: This variant is not present in population databases (ExAC no frequency). This variant has not been reported in the literature in individuals with ATM-related conditions. Experimental studies and prediction algorithms are not available or were not evaluated, and the functional significance of this variant is currently unknown. In summary, the available evidence is currently insufficient to determine the role of this variant in disease. Therefore, it has been classified as a Variant of Uncertain Significance. This variant, c.505_516del, results in the deletion of 4 amino acid(s) of the ATM protein (p.Ser169_Phe172del), but otherwise preserves the integrity of the reading frame.

NM_000051.4(ATM):c.505_516del (p.Ser169_Phe172del)

Gene: ATM (ATM serine/threonine kinase; plus strand). Cytogenetic location: 11q22.3.
Variant type: Deletion.
Coding change: c.505_516del on transcript NM_000051.4 (MANE Select); coding-DNA positions 505 to 516, 12 bases deleted (TCTGTGTACTTC).
Protein change: p.Ser169_Phe172del.
Molecular consequence: inframe deletion.
Genome position (GRCh38, 1-based): chr11:108,243,961-108,243,972, TCTGTGTACTTC deleted; deleting any 12 consecutive bases within chr11:108,243,958-108,243,972 gives the same sequence; the c. name uses the placement nearest the transcript's 3' end. VCF-style (leftmost placement, unchanged base first): chr11-108243957-GTTCTCTGTGTAC-G. GRCh37 (hg19) VCF-style: chr11-108114684-GTTCTCTGTGTAC-G.
Other names: c.505_516del, p.Ser169_Phe172del (NM_001351834.2).
Identifiers: ClinVar variation 1371390 (VCV001371390.8), dbSNP rs2135221888, ClinGen allele CA2573146418.